The following is an entry in ClinVar:

NM_018489.3(ASH1L):c.5881C>G (p.Pro1961Ala)

Gene: ASH1L (ASH1 like histone lysine methyltransferase; minus strand). Cytogenetic location: 1q22.
Variant type: single nucleotide variant.
Coding change: c.5881C>G on transcript NM_018489.3 (MANE Select); coding-DNA position 5881, C replaced by G.
Protein change: p.Pro1961Ala; replaces proline 1961 with alanine.
Molecular consequence: missense variant.
Genome position (GRCh38, 1-based): chr1:155,415,871, G>C on the plus strand (C>G on the coding strand, the complement: ASH1L is on the minus strand). VCF-style: chr1-155415871-G-C. GRCh37 (hg19) VCF-style: chr1-155385662-G-C.
Other names: c.5881C>G, p.Pro1961Ala (NM_001366177.2); short protein forms P1961A.
Identifiers: ClinVar variation 1683698 (VCV001683698.2), dbSNP rs116069205, ClinGen allele CA342677049.

ClinVar aggregate classification (germline): Uncertain significance (1 of 4 stars; one submission).

Conditions:
Intellectual developmental disorder, autosomal dominant 52. Also called: Intellectual disability, autosomal dominant 52; Mental retardation, autosomal dominant 52. Identifiers: MedGen C4540478, MONDO:0030918, OMIM 617796.

Submission:

Laboratorio de Genetica e Diagnostico Molecular, Hospital Israelita Albert Einstein
Classification: Uncertain significance for Intellectual developmental disorder, autosomal dominant 52. Last evaluated: 2021-06-15. Review status: criteria provided, single submitter. Criteria: ACMG Guidelines, 2015. Collection method: clinical testing. Allele origin: germline. Affected: yes.
Comment: ACMG classification criteria: PM2 moderate, BP4 supporting